The following is an entry in ClinVar:

ClinVar aggregate classification (germline): Uncertain significance (1 of 4 stars; one submission).

gnomAD v4.1: 18 of 1,532,012 alleles (0.0012%); highest among the groups gnomAD compares: African/African-American, 0.0041%; no homozygotes.

Submission:

Labcorp Genetics (formerly Invitae), Labcorp
Classification: Uncertain significance. Last evaluated: 2023-11-02. Review status: criteria provided, single submitter. Criteria: Invitae Variant Classification Sherloc (09022015). Collection method: clinical testing. Allele origin: germline.
Comment: This sequence change replaces arginine, which is basic and polar, with histidine, which is basic and polar, at codon 250 of the DGAT1 protein (p.Arg250His). This variant is present in population databases (rs782187957, gnomAD 0.004%). This variant has not been reported in the literature in individuals affected with DGAT1-related conditions. An algorithm developed to predict the effect of missense changes on protein structure and function (PolyPhen-2) suggests that this variant is likely to be tolerated. In summary, the available evidence is currently insufficient to determine the role of this variant in disease. Therefore, it has been classified as a Variant of Uncertain Significance.

NM_012079.6(DGAT1):c.749G>A (p.Arg250His)

Gene: DGAT1 (diacylglycerol O-acyltransferase 1; minus strand). Cytogenetic location: 8q24.3.
Variant type: single nucleotide variant.
Coding change: c.749G>A on transcript NM_012079.6 (MANE Select); coding-DNA position 749, G replaced by A.
Protein change: p.Arg250His; replaces arginine 250 with histidine.
Molecular consequence: missense variant.
Genome position (GRCh38, 1-based): chr8:144,318,097, C>T on the plus strand (G>A on the coding strand, the complement: DGAT1 is on the minus strand). VCF-style: chr8-144318097-C-T. GRCh37 (hg19) VCF-style: chr8-145541760-C-T.
Other names: short protein forms R250H.
Identifiers: ClinVar variation 2881884 (VCV002881884.3), dbSNP rs782187957, ClinGen allele CA4936875.